The following is an entry in ClinVar:

NM_007194.4(CHEK2):c.1260-4T>G

Gene: CHEK2 (checkpoint kinase 2; minus strand). Cytogenetic location: 22q12.1.
Variant type: single nucleotide variant.
Coding change: c.1260-4T>G on transcript NM_007194.4 (MANE Select); 4 bases into the intron before coding-DNA position 1260, T replaced by G.
Molecular consequence: intron variant.
Genome position (GRCh38, 1-based): chr22:28,695,246, A>C on the plus strand (T>G on the coding strand, the complement: CHEK2 is on the minus strand). VCF-style: chr22-28695246-A-C. GRCh37 (hg19) VCF-style: chr22-29091234-A-C.
Other names: c.597-4T>G (NM_001437942.1, NM_001257387.3); c.1059-4T>G (NM_001349956.3); c.1173-4T>G (NM_145862.3); c.1266-4T>G (NM_001438295.1); c.1353-4T>G (NM_001438293.1); c.1302-4T>G (NM_001438294.1); c.1389-4T>G (NM_001005735.3).
Identifiers: ClinVar variation 418641 (VCV000418641.5), dbSNP rs1064793337, ClinGen allele CA16621051.
Genomic context (GRCh38, chr22:28,695,246, plus strand): 5'-TGATCCTTCAGTGACACTTGAGTCCTATGCTCAGAGAAAGGTGGATACCCACTAAGGCTT[A>C]ATATTGGTAGAGAGAGAAAGGAAAAGAAATCAAGTGGCATTCTCAGTGGCATTCAGATAT-3'

ClinVar aggregate classification (germline): Conflicting classifications of pathogenicity. Review status: criteria provided, conflicting classifications (1 of 4 stars). 2 submissions from 2 submitters: Uncertain significance (1); Likely benign (1). Last evaluated 2023-02-04.

Conditions:
Familial cancer of breast. Also called: Hereditary breast cancer; BREAST CANCER, FAMILIAL; hereditary breast carcinoma. Identifiers: Orphanet 227535, MedGen C0346153, MONDO:0016419, OMIM 114480. Disease mechanism: loss of function.

Submissions (2):

Labcorp Genetics (formerly Invitae), Labcorp
Classification: Likely benign for Familial cancer of breast. Last evaluated: 2023-02-04. Review status: criteria provided, single submitter. Criteria: Invitae Variant Classification Sherloc (09022015). Collection method: clinical testing. Allele origin: germline.

GeneDx
Classification: Uncertain significance. Last evaluated: 2016-08-08. Review status: criteria provided, single submitter. Criteria: GeneDx Variant Classification (06012015). Collection method: clinical testing. Allele origin: germline. Affected: yes.
Comment: This variant is denoted CHEK2 c.1260-4T>G or IVS11-4T>G and consists of a T>G nucleotide substitution at the -4 position of intron 11 of the CHEK2 gene. In silico splicing models are uninformative. Therefore, in the absence of RNA or functional studies, the actual effect of this variant is unknown. This variant has not, to our knowledge, been published in the literature as pathogenic or benign. CHEK2 c.1260-4T>G was not observed in approximately 6,500 individuals of European and African American ancestry in the NHLBI Exome Sequencing Project, suggesting it is not a common benign variant in these populations. The thymine (T) nucleotide that is altered is not conserved across species. Based on currently available information, it is unclear whether CHEK2 c.1260-4T>G is pathogenic or benign. We consider it to be a variant of uncertain significance.